The following is an entry in ClinVar:

NM_002941.4(ROBO1):c.4492A>C (p.Lys1498Gln)

Gene: ROBO1 (roundabout guidance receptor 1; minus strand). Cytogenetic location: 3p12.3.
Variant type: single nucleotide variant.
Coding change: c.4492A>C on transcript NM_002941.4 (MANE Select); coding-DNA position 4492, A replaced by C.
Protein change: p.Lys1498Gln; replaces lysine 1498 with glutamine.
Molecular consequence: missense variant.
Genome position (GRCh38, 1-based): chr3:78,606,985, T>G on the plus strand (A>C on the coding strand, the complement: ROBO1 is on the minus strand). VCF-style: chr3-78606985-T-G. GRCh37 (hg19) VCF-style: chr3-78656135-T-G.
Other names: c.4192A>C, p.Lys1398Gln (NM_001145845.2); c.4357A>C, p.Lys1453Gln (NM_133631.4); short protein forms K1453Q, K1498Q, K1398Q.
Identifiers: ClinVar variation 4155974 (VCV004155974.2).

ClinVar aggregate classification (germline): Uncertain significance. Review status: criteria provided, multiple submitters, no conflicts (2 of 4 stars). 2 submissions from 2 submitters: Uncertain significance (2). Last evaluated 2025-07-09.

Conditions:
Inborn genetic diseases. Identifiers: MedGen C0950123, MeSH D030342.

gnomAD v4.1: 50 of 1,613,788 alleles (0.0031%); highest among the groups gnomAD compares: Non-Finnish European, 0.0041%; no homozygotes.

Submissions (2):

Labcorp Genetics (formerly Invitae), Labcorp
Classification: Uncertain significance. Last evaluated: 2025-07-09. Review status: criteria provided, single submitter. Criteria: Invitae Variant Classification Sherloc (09022015). Collection method: clinical testing. Allele origin: germline.
Comment: This sequence change replaces lysine, which is basic and polar, with glutamine, which is neutral and polar, at codon 1498 of the ROBO1 protein (p.Lys1498Gln). This variant is present in population databases (rs555304987, gnomAD 0.004%). This variant has not been reported in the literature in individuals affected with ROBO1-related conditions. Invitae Evidence Modeling of protein sequence and biophysical properties (such as structural, functional, and spatial information, amino acid conservation, physicochemical variation, residue mobility, and thermodynamic stability) indicates that this missense variant is not expected to disrupt ROBO1 protein function with a negative predictive value of 95%. In summary, the available evidence is currently insufficient to determine the role of this variant in disease. Therefore, it has been classified as a Variant of Uncertain Significance.

Ambry Genetics
Classification: Uncertain significance for Inborn genetic diseases. Last evaluated: 2025-06-18. Review status: criteria provided, single submitter. Criteria: Ambry Variant Classification Scheme 2023. Collection method: clinical testing. Allele origin: germline.